The following is an entry in ClinVar:

NM_005529.7(HSPG2):c.12436C>T (p.Pro4146Ser)

Gene: HSPG2 (heparan sulfate proteoglycan 2; minus strand). Cytogenetic location: 1p36.12.
Variant type: single nucleotide variant.
Coding change: c.12436C>T on transcript NM_005529.7 (MANE Select); coding-DNA position 12436, C replaced by T.
Protein change: p.Pro4146Ser; replaces proline 4146 with serine.
Molecular consequence: missense variant.
Genome position (GRCh38, 1-based): chr1:21,828,126, G>A on the plus strand (C>T on the coding strand, the complement: HSPG2 is on the minus strand). VCF-style: chr1-21828126-G-A. GRCh37 (hg19) VCF-style: chr1-22154619-G-A.
Other names: c.12439C>T, p.Pro4147Ser (NM_001291860.2); c.12436C>T (NM_005529.5); short protein forms P4146S, P4147S.
Identifiers: ClinVar variation 1439437 (VCV001439437.8), dbSNP rs368114322, ClinGen allele CA338899829.

ClinVar aggregate classification (germline): Uncertain significance. Review status: criteria provided, multiple submitters, no conflicts (2 of 4 stars). 2 submissions from 2 submitters: Uncertain significance (2). Last evaluated 2026-09-24.

Allele frequency attached by ClinVar (database versions not stated): gnomAD 0.00001; TOPMed below 0.00001.
gnomAD v4.1: 29 of 1,612,976 alleles (0.0018%); highest among the groups gnomAD compares: Non-Finnish European, 0.0025%; no homozygotes.

Submissions (2):

GeneDx
Classification: Uncertain significance. Last evaluated: 2026-09-24. Review status: criteria provided, single submitter. Criteria: GeneDx Variant Classification Process June 2021. Collection method: clinical testing. Allele origin: germline.
Comment: Not observed at significant frequency in large population cohorts (gnomAD); In silico analysis suggests that this missense variant does not alter protein structure/function; Has not been previously published as pathogenic or benign to our knowledge

Labcorp Genetics (formerly Invitae), Labcorp
Classification: Uncertain significance. Last evaluated: 2021-10-28. Review status: criteria provided, single submitter. Criteria: Invitae Variant Classification Sherloc (09022015). Collection method: clinical testing. Allele origin: germline.
Comment: In summary, the available evidence is currently insufficient to determine the role of this variant in disease. Therefore, it has been classified as a Variant of Uncertain Significance. Algorithms developed to predict the effect of missense changes on protein structure and function (SIFT, PolyPhen-2, Align-GVGD) all suggest that this variant is likely to be tolerated. This variant has not been reported in the literature in individuals affected with HSPG2-related conditions. This variant is present in population databases (no rsID available, gnomAD no frequency). This sequence change replaces proline, which is neutral and non-polar, with serine, which is neutral and polar, at codon 4146 of the HSPG2 protein (p.Pro4146Ser).